The following is an entry in ClinVar:

NM_006576.4(AVIL):c.1964dup (p.Phe656fs)

Genes: AVIL (advillin; minus strand), TSFM (Ts translation elongation factor, mitochondrial; plus strand). Cytogenetic location: 12q14.1.
Variant type: Duplication.
Coding change: c.1964dup on transcript NM_006576.4 (MANE Select); coding-DNA position 1964, one base duplicated (T; older notation c.1964dupT).
Protein change: p.Phe656fs; shifts the reading frame from phenylalanine 656.
Molecular consequence: frameshift variant. On other transcripts: intron variant (1).
Genome position (GRCh38, 1-based): chr12:57,802,347, A duplicated on the plus strand (T on the coding strand, the reverse complement: AVIL is on the minus strand). VCF-style (leftmost placement, unchanged base first): chr12-57802346-C-CA. GRCh37 (hg19) VCF-style: chr12-58196129-C-CA.
Other names: c.1964dupT (NM_006576.4, NM_006576.3); c.572-208dup (NM_001172697.2); short protein forms F656fs.
Identifiers: ClinVar variation 684651 (VCV000684651.8), dbSNP rs753128516, ClinGen allele CA6659632.
Genomic context (GRCh38, chr12:57,802,346, plus strand): 5'-TGCTGTGGCAAGGGCACTCTCCTTCTCCGTGGCATTGGCCTCAGCCCCAATCCACAAGAA[C>CA]ACCTGTTAAGGTGGAGATTTAATATATGTTACTGTGTTCATACCAAGGACTAAGTACTAG-3'

ClinVar aggregate classification (germline): Conflicting classifications of pathogenicity. Review status: criteria provided, conflicting classifications (1 of 4 stars). 5 submissions from 5 submitters: Pathogenic (1); Likely pathogenic (1); Uncertain significance (1). 2 of the submissions do not count toward it. Last evaluated 2025-12-04.

Conditions:
Nephrotic syndrome, type 21. Identifiers: MedGen C5231498, MONDO:0032826, OMIM 618594.
Steroid-resistant nephrotic syndrome. Identifiers: MedGen C0403397, MONDO:0044765, HP:0012588.

Allele frequency attached by ClinVar (database versions not stated): TOPMed 0.00006; gnomAD 0.00005 and 0.00004; gnomAD exomes 0.00011 and 0.00008; ExAC 0.00016; ESP Exome Variant Server 0.00024.

Submissions (5):

Dasa
Classification: Pathogenic. Last evaluated: 2025-12-04. Review status: criteria provided, single submitter. Criteria: DASA Assertion Criteria. Collection method: clinical testing. Allele origin: germline.
Comment: NM_006576.4(AVIL):c.1964dup (p.Phe656Valfs*7) introduces a premature termination codon predicted to result in loss of normal protein function. Loss-of-function is an established mechanism of disease for this gene. This variant has been observed in affected individuals with related phenotype in a genotype context consistent with recessive disease (PMID: 29058690). Functional evidence supports a deleterious effect on the gene or gene product (PMID: 29058690). This variant has been reported in individuals with related phenotype (PMID: 29058690). The variant is present at low frequency in population datasets. Based on the available data, this variant is classified as pathogenic.

First Genomix Gene Laboratory, Genetic Diagnostics Department
Classification: Likely pathogenic for Nephrotic syndrome, type 21. Last evaluated: 2025-01-13. Review status: criteria provided, single submitter. Criteria: ACMG Guidelines, 2015. Collection method: clinical testing. Allele origin: germline. Inheritance: Autosomal recessive inheritance. Affected: no. Observed: 1 variant allele.

MGZ Medical Genetics Center
Classification: Uncertain significance for Nephrotic syndrome, type 21. Last evaluated: 2021-08-25. Review status: criteria provided, single submitter. Criteria: ACMG Guidelines, 2015. Collection method: clinical testing. Allele origin: germline. Affected: yes. Observed: 1 variant allele.
Comment: ACMG criteria applied: PVS1_MOD, PM2_SUP

OMIM
Classification: Pathogenic for NEPHROTIC SYNDROME, TYPE 21. Last evaluated: 2019-09-25. Review status: no assertion criteria provided. Collection method: literature only. Allele origin: germline. Not counted in ClinVar's aggregate classification.

Yale Center for Mendelian Genomics, Yale University
Classification: Pathogenic for Steroid-resistant nephrotic syndrome. Last evaluated: 2017-10-23. Review status: no assertion criteria provided. Collection method: literature only. Allele origin: germline. Affected: yes. Observed: 1 compound heterozygote. Not counted in ClinVar's aggregate classification.

Literature cited by the submitters: PubMed 29058690 (cited by 3 submitters).